The following is an entry in ClinVar:

ClinVar aggregate classification (germline): Uncertain significance (1 of 4 stars; one submission).

Conditions:
Cardiovascular phenotype. Identifiers: MedGen CN230736.

Submission:

Ambry Genetics
Classification: Uncertain significance for Cardiovascular phenotype. Last evaluated: 2025-12-10. Review status: criteria provided, single submitter. Criteria: Ambry Variant Classification Scheme 2023. Collection method: clinical testing. Allele origin: germline.
Comment: The p.K1814N variant (also known as c.5442G>T), located in coding exon 38 of the ANK2 gene, results from a G to T substitution at nucleotide position 5442. The lysine at codon 1814 is replaced by asparagine, an amino acid with similar properties. This amino acid position is conserved. In addition, this alteration is predicted to be tolerated by in silico analysis. Since supporting evidence is limited at this time, the clinical significance of this alteration remains unclear.

NM_001148.6(ANK2):c.5442G>T (p.Lys1814Asn)

Genes: ANK2 (ankyrin 2; plus strand), LOC126807136 (MED14-independent group 3 enhancer GRCh37_chr4:114274931-114276130; plus strand). Cytogenetic location: 4q26.
Variant type: single nucleotide variant.
Coding change: c.5442G>T on transcript NM_001148.6 (MANE Select); coding-DNA position 5442, G replaced by T.
Protein change: p.Lys1814Asn; replaces lysine 1814 with asparagine.
Molecular consequence: missense variant. On other transcripts: intron variant (68).
Genome position (GRCh38, 1-based): chr4:113,354,060, G>T. VCF-style: chr4-113354060-G-T. GRCh37 (hg19) VCF-style: chr4-114275216-G-T.
Other names: c.5208G>T, p.Lys1736Asn (NM_001386142.1); c.1842G>T, p.Lys614Asn (NM_001386166.1); c.5583G>T, p.Lys1861Asn (NM_001386174.1); c.5559G>T, p.Lys1853Asn (NM_001386175.1); c.4411+3811G>T (NM_001386186.2, NM_001386148.2); c.4213+3811G>T (NM_001354269.3); c.4291+3811G>T (NM_001386187.2); c.4252+3811G>T (NM_001386147.1); and 35 more; short protein forms K1814N, K1861N, K614N, K1736N, K1853N.
Identifiers: ClinVar variation 2590771 (VCV002590771.3), dbSNP rs2505358173, ClinGen allele CA357919515.